The following is an entry in ClinVar:

ClinVar aggregate classification (germline): Pathogenic (1 of 4 stars; one submission).

gnomAD v4.1: 1 of 1,606,562 alleles (0.000062%); no homozygotes.

Submission:

Labcorp Genetics (formerly Invitae), Labcorp
Classification: Pathogenic. Last evaluated: 2021-11-27. Review status: criteria provided, single submitter. Criteria: Invitae Variant Classification Sherloc (09022015). Collection method: clinical testing. Allele origin: germline.
Comment: This sequence change creates a premature translational stop signal (p.Cys549*) in the DLL1 gene. It is expected to result in an absent or disrupted protein product. Loss-of-function variants in DLL1 are known to be pathogenic (PMID: 31353024). This variant is not present in population databases (gnomAD no frequency). This variant has not been reported in the literature in individuals affected with DLL1-related conditions. Algorithms developed to predict the effect of sequence changes on RNA splicing suggest that this variant may create or strengthen a splice site. For these reasons, this variant has been classified as Pathogenic.

Literature cited by the submitters: PubMed 31353024.

NM_005618.4(DLL1):c.1647C>A (p.Cys549Ter)

Gene: DLL1 (delta like canonical Notch ligand 1; minus strand). Cytogenetic location: 6q27.
Variant type: single nucleotide variant.
Coding change: c.1647C>A on transcript NM_005618.4 (MANE Select); coding-DNA position 1647, C replaced by A.
Protein change: p.Cys549Ter; replaces cysteine 549 with a stop codon.
Molecular consequence: nonsense.
Genome position (GRCh38, 1-based): chr6:170,283,632, G>T on the plus strand (C>A on the coding strand, the complement: DLL1 is on the minus strand). VCF-style: chr6-170283632-G-T. GRCh37 (hg19) VCF-style: chr6-170592720-G-T.
Other names: short protein forms C549*.
Identifiers: ClinVar variation 1452346 (VCV001452346.6), dbSNP rs367852951, ClinGen allele CA366506828.